The following is an entry in ClinVar:

ClinVar aggregate classification (germline): Likely benign (1 of 4 stars; one submission).

Submission:

CeGaT Center for Human Genetics Tuebingen
Classification: Likely benign. Last evaluated: 2023-05-01. Review status: criteria provided, single submitter. Criteria: CeGaT Center For Human Genetics Tuebingen Variant Classification Criteria Version 2. Collection method: clinical testing. Allele origin: germline. Affected: yes. Observed: 1 variant allele.
Comment: RS1: PM2:Supporting, BP4, BP7

NM_000330.4(RS1):c.525C>A (p.Val175=)

Genes: CDKL5 (cyclin dependent kinase like 5; plus strand), RS1 (retinoschisin 1; minus strand). Cytogenetic location: Xp22.13.
Variant type: single nucleotide variant.
Coding change: c.525C>A on transcript NM_000330.4 (MANE Select); coding-DNA position 525, C replaced by A.
Protein change: p.Val175=; no amino-acid change (valine 175 retained).
Molecular consequence: synonymous variant. On other transcripts: intron variant (2).
Genome position (GRCh38, 1-based): chrX:18,642,154, G>T on the plus strand (C>A on the coding strand, the complement: RS1 is on the minus strand). VCF-style: chrX-18642154-G-T. GRCh37 (hg19) VCF-style: chrX-18660274-G-T.
Other names: c.2714-3853G>T (NM_003159.3, NM_001037343.2).
Identifiers: ClinVar variation 2660105 (VCV002660105.22), dbSNP rs1927607803, ClinGen allele CA515473783.